The following is an entry in ClinVar:

NM_000540.3(RYR1):c.4454+49G>C

Gene: RYR1 (ryanodine receptor 1; plus strand). Cytogenetic location: 19q13.2.
Variant type: single nucleotide variant.
Coding change: c.4454+49G>C on transcript NM_000540.3 (MANE Select); 49 bases into the intron after coding-DNA position 4454, G replaced by C.
Molecular consequence: intron variant.
Genome position (GRCh38, 1-based): chr19:38,477,919, G>C. VCF-style: chr19-38477919-G-C. GRCh37 (hg19) VCF-style: chr19-38968559-G-C.
Other names: c.4454+49G>C (NM_001042723.2).
Identifiers: ClinVar variation 679974 (VCV000679974.1), dbSNP rs73540995, ClinGen allele CA066082.
Genomic context (GRCh38, chr19:38,477,919, plus strand): 5'-CGTCCACAGCAGGTGCCGGGGCTGGGGGGAGGTGGGAGGTGCAGGGTGGGGAGGGCAGGA[G>C]GCAGTCAGAGCTCCCGACACCAGCTCTGTGGCTGCCTGGTTGTGGGACCTAGGAACTTTC-3'

ClinVar aggregate classification (germline): Likely benign (1 of 4 stars; one submission).

Allele frequency attached by ClinVar (database versions not stated): gnomAD exomes 0.00034 and 0.00126; ExAC 0.00171; ESP Exome Variant Server 0.00497; TOPMed 0.00570; 1000 Genomes Project 0.00699; 1000 Genomes Project 30x 0.00812.

Submission:

GeneDx
Classification: Likely benign. Last evaluated: 2018-06-16. Review status: criteria provided, single submitter. Criteria: GeneDx Variant Classification (06012015). Collection method: clinical testing. Allele origin: germline. Affected: yes.
Comment: This variant is considered likely benign or benign based on one or more of the following criteria: it is a conservative change, it occurs at a poorly conserved position in the protein, it is predicted to be benign by multiple in silico algorithms, and/or has population frequency not consistent with disease.